The following is an entry in ClinVar:

NM_006922.4(SCN3A):c.551C>T (p.Thr184Met)

Gene: SCN3A (sodium voltage-gated channel alpha subunit 3; minus strand). Cytogenetic location: 2q24.3.
Variant type: single nucleotide variant.
Coding change: c.551C>T on transcript NM_006922.4 (MANE Select); coding-DNA position 551, C replaced by T.
Protein change: p.Thr184Met; replaces threonine 184 with methionine.
Molecular consequence: missense variant.
Genome position (GRCh38, 1-based): chr2:165,164,443, G>A on the plus strand (C>T on the coding strand, the complement: SCN3A is on the minus strand). VCF-style: chr2-165164443-G-A. GRCh37 (hg19) VCF-style: chr2-166020953-G-A.
Other names: c.551C>T (NM_006922.3); c.551C>T, p.Thr184Met (NM_001081676.2, NM_001081677.2); short protein forms T184M.
Identifiers: ClinVar variation 808840 (VCV000808840.50), dbSNP rs200410949, ClinGen allele CA1939419.
Genomic context (GRCh38, chr2:165,164,443, plus strand): 5'-GTTACTCACGCCATCACAATGACACTGAAATCCAGCCAGTTCCATGGATCACGAAGAAAC[G>A]TAAAATCTTCTAAGCAAAACCCTCTTGCCAAGATTTTTATAAGTGACTCAAAGGTATAGA-3'
Protein context (NP_008853.3, residues 174-194): LARGFCLEDF[Thr184Met]FLRDPWNWLD

ClinVar aggregate classification (germline): Uncertain significance. Review status: criteria provided, multiple submitters, no conflicts (2 of 4 stars). 4 submissions from 4 submitters: Uncertain significance (4). Last evaluated 2026-01-28.

Conditions:
Inborn genetic diseases. Identifiers: MedGen C0950123, MeSH D030342.
Developmental and epileptic encephalopathy, 62. Also called: Early infantile epileptic encephalopathy 62. Identifiers: MedGen C4693699, MONDO:0033371, OMIM 617938.

Allele frequency attached by ClinVar (database versions not stated): ExAC 0.00001; gnomAD exomes 0.00002 and 0.00003; ESP Exome Variant Server 0.00008.
gnomAD v4.1: 24 of 1,613,694 alleles (0.0015%); highest among the groups gnomAD compares: Admixed American, 0.0033%; no homozygotes.

Submissions (4):

Labcorp Genetics (formerly Invitae), Labcorp
Classification: Uncertain significance. Last evaluated: 2026-01-28. Review status: criteria provided, single submitter. Criteria: Invitae Variant Classification Sherloc (09022015). Collection method: clinical testing. Allele origin: germline.
Comment: This sequence change replaces threonine, which is neutral and polar, with methionine, which is neutral and non-polar, at codon 184 of the SCN3A protein (p.Thr184Met). This variant is present in population databases (rs200410949, gnomAD 0.007%). This missense change has been observed in individuals with clinical features of developmental and epileptic encephalopathy (internal data). ClinVar contains an entry for this variant (Variation ID: 808840). Invitae Evidence Modeling of protein sequence and biophysical properties (such as structural, functional, and spatial information, amino acid conservation, physicochemical variation, residue mobility, and thermodynamic stability) indicates that this missense variant is expected to disrupt SCN3A protein function with a positive predictive value of 80%. In summary, the available evidence is currently insufficient to determine the role of this variant in disease. Therefore, it has been classified as a Variant of Uncertain Significance.

Medical Genetics, Karadeniz Technical University
Classification: Uncertain significance for Developmental and epileptic encephalopathy, 62. Last evaluated: 2025-11-20. Review status: criteria provided, single submitter. Criteria: ACMG Guidelines, 2015. Collection method: clinical testing. Allele origin: maternal. Affected: yes.
Comment: This variation is very rare in GnomAd database (24 Alleles of 1,613,694). In silico prediction tools show deleterious effect (Revel: Deleterious (Moderate) (0.89); Deleterious (Moderate) (0.942)).

Ambry Genetics
Classification: Uncertain significance for Inborn genetic diseases. Last evaluated: 2023-04-20. Review status: criteria provided, single submitter. Criteria: Ambry Variant Classification Scheme 2023. Collection method: clinical testing. Allele origin: germline.

CeGaT Center for Human Genetics Tuebingen
Classification: Uncertain significance. Last evaluated: 2017-08-01. Review status: criteria provided, single submitter. Criteria: CeGaT Center For Human Genetics Tuebingen Variant Classification Criteria Version 2. Collection method: clinical testing. Allele origin: germline. Affected: yes. Observed: 1 variant allele.